The following is an entry in ClinVar:

ClinVar aggregate classification (germline): Uncertain significance (1 of 4 stars; one submission).

Conditions:
Hereditary cancer-predisposing syndrome. Also called: Neoplastic Syndromes, Hereditary; Tumor predisposition; Hereditary neoplastic syndrome; Hereditary Cancer Syndrome. Identifiers: Orphanet 140162, MedGen C0027672, MeSH D009386, MONDO:0015356.

Submission:

Ambry Genetics
Classification: Uncertain significance for Hereditary cancer-predisposing syndrome. Last evaluated: 2022-12-07. Review status: criteria provided, single submitter. Criteria: Ambry Variant Classification Scheme 2023. Collection method: clinical testing. Allele origin: germline.
Comment: The p.T111A variant (also known as c.331A>G), located in coding exon 1 of the ALK gene, results from an A to G substitution at nucleotide position 331. The threonine at codon 111 is replaced by alanine, an amino acid with similar properties. This amino acid position is conserved. In addition, this alteration is predicted to be tolerated by in silico analysis. Since supporting evidence is limited at this time, the clinical significance of this alteration remains unclear.

NM_004304.5(ALK):c.331A>G (p.Thr111Ala)

Gene: ALK (ALK receptor tyrosine kinase; minus strand). Cytogenetic location: 2p23.1.
Variant type: single nucleotide variant.
Coding change: c.331A>G on transcript NM_004304.5 (MANE Select); coding-DNA position 331, A replaced by G.
Protein change: p.Thr111Ala; replaces threonine 111 with alanine.
Molecular consequence: missense variant.
Genome position (GRCh38, 1-based): chr2:29,920,329, T>C on the plus strand (A>G on the coding strand, the complement: ALK is on the minus strand). VCF-style: chr2-29920329-T-C. GRCh37 (hg19) VCF-style: chr2-30143195-T-C.
Other names: short protein forms T111A.
Identifiers: ClinVar variation 2452101 (VCV002452101.2), dbSNP rs2148443492, ClinGen allele CA346590245.